The following is an entry in ClinVar:

NM_020928.2(ZSWIM6):c.2703+4C>T

Gene: ZSWIM6 (zinc finger SWIM-type containing 6; plus strand). Cytogenetic location: 5q12.1.
Variant type: single nucleotide variant.
Coding change: c.2703+4C>T on transcript NM_020928.2 (MANE Select); 4 bases into the intron after coding-DNA position 2703, C replaced by T.
Molecular consequence: intron variant.
Genome position (GRCh38, 1-based): chr5:61,539,763, C>T. VCF-style: chr5-61539763-C-T. GRCh37 (hg19) VCF-style: chr5-60835590-C-T.
Identifiers: ClinVar variation 1934162 (VCV001934162.5), dbSNP rs776737876, ClinGen allele CA3278468.

ClinVar aggregate classification (germline): Uncertain significance (1 of 4 stars; one submission).

Allele frequency attached by ClinVar (database versions not stated): gnomAD exomes below 0.00001; ExAC 0.00010.
gnomAD v4.1: 4 of 1,549,318 alleles (0.00026%); highest among the groups gnomAD compares: South Asian, 0.0012%; no homozygotes.

Submission:

Labcorp Genetics (formerly Invitae), Labcorp
Classification: Uncertain significance. Last evaluated: 2024-05-20. Review status: criteria provided, single submitter. Criteria: Invitae Variant Classification Sherloc (09022015). Collection method: clinical testing. Allele origin: germline.
Comment: This sequence change falls in intron 12 of the ZSWIM6 gene. It does not directly change the encoded amino acid sequence of the ZSWIM6 protein. It affects a nucleotide within the consensus splice site. This variant is present in population databases (rs776737876, gnomAD 0.009%). This variant has not been reported in the literature in individuals affected with ZSWIM6-related conditions. ClinVar contains an entry for this variant (Variation ID: 1934162). Variants that disrupt the consensus splice site are a relatively common cause of aberrant splicing (PMID: 17576681, 9536098). Algorithms developed to predict the effect of sequence changes on RNA splicing suggest that this variant is not likely to affect RNA splicing. In summary, the available evidence is currently insufficient to determine the role of this variant in disease. Therefore, it has been classified as a Variant of Uncertain Significance.

Literature cited by the submitters: PubMed 17576681; PubMed 9536098.